The following is an entry in ClinVar:

ClinVar aggregate classification (germline): Likely pathogenic (1 of 4 stars; one submission).

Conditions:
Glycine encephalopathy. Also called: Nonketotic hyperglycinemia; Non-ketotic hyperglycinemia. Identifiers: Orphanet 407, MedGen C0751748, MONDO:0011612, HP:0008288.

gnomAD v4.1: 1 of 1,613,520 alleles (0.000062%); highest among the groups gnomAD compares: Non-Finnish European, 0.000085%; no homozygotes.

Submission:

Labcorp Genetics (formerly Invitae), Labcorp
Classification: Likely pathogenic for Glycine encephalopathy. Last evaluated: 2026-01-26. Review status: criteria provided, single submitter. Criteria: Invitae Variant Classification Sherloc (09022015). Collection method: clinical testing. Allele origin: germline.
Comment: This sequence change replaces aspartic acid, which is acidic and polar, with tyrosine, which is neutral and polar, at codon 746 of the GLDC protein (p.Asp746Tyr). This variant is not present in population databases (gnomAD no frequency). This variant has not been reported in the literature in individuals affected with GLDC-related conditions. Invitae Evidence Modeling of protein sequence and biophysical properties (such as structural, functional, and spatial information, amino acid conservation, physicochemical variation, residue mobility, and thermodynamic stability) indicates that this missense variant is expected to disrupt GLDC protein function with a positive predictive value of 95%. Algorithms developed to predict the effect of sequence changes on RNA splicing suggest that this variant may disrupt the consensus splice site. This variant disrupts the p.Asp746 amino acid residue in GLDC. Other variant(s) that disrupt this residue have been determined to be pathogenic (PMID: 27362913). This suggests that this residue is clinically significant, and that variants that disrupt this residue are likely to be disease-causing. In summary, the currently available evidence indicates that the variant is pathogenic, but additional data are needed to prove that conclusively. Therefore, this variant has been classified as Likely Pathogenic.

Literature cited by the submitters: PubMed 27362913.

NM_000170.3(GLDC):c.2236G>T (p.Asp746Tyr)

Gene: GLDC (glycine decarboxylase; minus strand). Cytogenetic location: 9p24.1.
Variant type: single nucleotide variant.
Coding change: c.2236G>T on transcript NM_000170.3 (MANE Select); coding-DNA position 2236, G replaced by T.
Protein change: p.Asp746Tyr; replaces aspartic acid 746 with tyrosine.
Molecular consequence: missense variant.
Genome position (GRCh38, 1-based): chr9:6,554,748, C>A on the plus strand (G>T on the coding strand, the complement: GLDC is on the minus strand). VCF-style: chr9-6554748-C-A. GRCh37 (hg19) VCF-style: chr9-6554748-C-A.
Other names: short protein forms D746Y.
Identifiers: ClinVar variation 4808966 (VCV004808966.1).
Genomic context (GRCh38, chr9:6,554,748, plus strand): 5'-CAGGACCACCTCCTCCGTGGGGAATGCAGAAGGTCTTGTGAAGATTTAGGTGCGAGACAT[C>A]AGACCCGAAGTCTCCAGGGCGACAGATTCCCACCTACCACAAAGGCAAGGGCCAAAAGCA-3'
Protein context (NP_000161.2, residues 736-756): GICRPGDFGS[Asp746Tyr]VSHLNLHKTF